The following is an entry in ClinVar:

ClinVar aggregate classification (germline): Uncertain significance (1 of 4 stars; one submission).

Conditions:
TGM6-related disorder. Also called: TGM6-related condition.

Allele frequency attached by ClinVar (database versions not stated): gnomAD exomes below 0.00001.
gnomAD v4.1: 2 of 1,614,194 alleles (0.00012%); highest among the groups gnomAD compares: Non-Finnish European, 0.00017%; no homozygotes.

Submission:

PreventionGenetics, part of Exact Sciences
Classification: Uncertain significance for TGM6-related condition. Last evaluated: 2022-09-22. Review status: criteria provided, single submitter. Criteria: ACMG Guidelines, 2015. Collection method: clinical testing. Allele origin: germline.
Comment: The TGM6 c.1139G>A variant is predicted to result in the amino acid substitution p.Gly380Asp. To our knowledge, this variant has not been reported in the literature or in a large population database, indicating this variant is rare. Although we suspect that this variant may be pathogenic, at this time, the clinical significance of this variant is uncertain due to the absence of conclusive functional and genetic evidence.

NM_198994.3(TGM6):c.1139G>A (p.Gly380Asp)

Gene: TGM6 (transglutaminase 6; plus strand). Cytogenetic location: 20p13.
Variant type: single nucleotide variant.
Coding change: c.1139G>A on transcript NM_198994.3 (MANE Select); coding-DNA position 1139, G replaced by A.
Protein change: p.Gly380Asp; replaces glycine 380 with aspartic acid.
Molecular consequence: missense variant.
Genome position (GRCh38, 1-based): chr20:2,403,626, G>A. VCF-style: chr20-2403626-G-A. GRCh37 (hg19) VCF-style: chr20-2384272-G-A.
Other names: c.1139G>A, p.Gly380Asp (NM_001254734.2); short protein forms G380D.
Identifiers: ClinVar variation 2637192 (VCV002637192.1), dbSNP rs2514377821, ClinGen allele CA408012774.